The following is an entry in ClinVar:

NM_001308093.3(GATA4):c.525_530dup (p.Ala178_Ala179dup)

Gene: GATA4 (GATA binding protein 4). Cytogenetic location: 8p23.1.
Variant type: Duplication.
Coding change: c.525_530dup on transcript NM_001308093.3 (MANE Select); coding-DNA positions 525 to 530, 6 bases duplicated.
Protein change: p.Ala178_Ala179dup.
Molecular consequence: inframe insertion. On other transcripts: intron variant (3).
Genome position: GRCh38 VCF-style: chr8-11708831-G-GGCCGCA. GRCh37 (hg19) VCF-style: chr8-11566340-G-GGCCGCA.
Other names: c.525_530dup, p.Ala178_Ala179dup (NM_002052.5); c.-6+8059_-6+8064dup (NM_001308094.2); c.-3+823_-3+828dup (NM_001374274.1); c.-3+4533_-3+4538dup (NM_001374273.1).
Identifiers: ClinVar variation 472777 (VCV000472777.8), dbSNP rs1554488651, ClinGen allele CA658657747.

ClinVar aggregate classification (germline): Uncertain significance (1 of 4 stars; one submission).

Conditions:
Atrioventricular septal defect 4 (AVSD4). Identifiers: MedGen C3280781, MONDO:0013747, OMIM 614430.

Submission:

Labcorp Genetics (formerly Invitae), Labcorp
Classification: Uncertain significance for Atrioventricular septal defect 4. Last evaluated: 2017-04-21. Review status: criteria provided, single submitter. Criteria: Invitae Variant Classification Sherloc (09022015). Collection method: clinical testing. Allele origin: germline.
Comment: In summary, this variant is a rare duplication sequence change with uncertain impact on protein function. It has been classified as a Variant of Uncertain Significance. Experimental studies and prediction algorithms are not available for this variant, and the functional significance of the duplicated amino acids is currently unknown. This variant is not present in population databases (ExAC no frequency) and has not been reported in the literature in individuals with a GATA4-related disease. This sequence change duplicates 6 nucleotides in exon 2 of the GATA4 mRNA (c.525_530dupAGCCGC). This leads to the insertion of 2 amino acid residue(s) in the GATA4 protein (p.Ala178_Ala179dup) but otherwise preserves the integrity of the reading frame.